The following is an entry in ClinVar:

NM_000089.4(COL1A2):c.892G>A (p.Gly298Ser)

Gene: COL1A2 (collagen type I alpha 2 chain; plus strand). Cytogenetic location: 7q21.3.
Variant type: single nucleotide variant.
Coding change: c.892G>A on transcript NM_000089.4 (MANE Select); coding-DNA position 892, G replaced by A.
Protein change: p.Gly298Ser; replaces glycine 298 with serine.
Molecular consequence: missense variant.
Genome position (GRCh38, 1-based): chr7:94,409,564, G>A. VCF-style: chr7-94409564-G-A. GRCh37 (hg19) VCF-style: chr7-94038876-G-A.
Other names: short protein forms G298S.
Identifiers: ClinVar variation 691333 (VCV000691333.10), dbSNP rs72656389, ClinGen allele CA368220727.
Genomic context (GRCh38, chr7:94,409,564, plus strand): 5'-CAAAGAAGAACCGAAATATTCCAATTAACTGATATCCTTCTCCTTTCCTTTTCCTCATAG[G>A]GTAATCCTGGAGCAAACGGCCTTACTGGTGCCAAGGGTGCTGCTGTGAGTATACCTGCGT-3'
Protein context (NP_000080.2, residues 288-308): PGLSGPVGPP[Gly298Ser]NPGANGLTGA

ClinVar aggregate classification (germline): Pathogenic/Likely pathogenic. Review status: criteria provided, multiple submitters, no conflicts (2 of 4 stars). 4 submissions from 4 submitters: Pathogenic (1); Likely pathogenic (3). Last evaluated 2026-01-21.

Conditions:
COL1A2-related disorder. Also called: COL1A2-Related Disorders; COL1A2-related condition.
Ehlers-Danlos syndrome, classic type, 1 (EDSCL1). Also called: EHLERS-DANLOS SYNDROME, GRAVIS TYPE; EHLERS-DANLOS SYNDROME, SEVERE CLASSIC TYPE; Ehlers-Danlos syndrome, type 1; Ehlers-Danlos Syndrome, Classic Type, COL5A1-Related; EDS I. Identifiers: MedGen C0268335, MONDO:0019567, OMIM 130000.
Osteogenesis imperfecta type I (OI1). Also called: Lobstein disease; Lobstein's Disease; OI, TYPE I; OSTEOGENESIS IMPERFECTA TARDA; OSTEOGENESIS IMPERFECTA WITH BLUE SCLERAE; Classic Non-deforming Osteogenesis Imperfecta with Blue Sclerae. Identifiers: Orphanet 216796, Orphanet 666, MedGen C0023931, MONDO:0008146, OMIM 166200. Disease mechanism: loss of function.
Combined osteogenesis imperfecta and Ehlers-Danlos syndrome 2. Also called: OIEDS SYNDROME 2. Identifiers: MedGen C5436847, MONDO:0030855, OMIM 619120.
Osteogenesis imperfecta (OI). Identifiers: Orphanet 666, MedGen C0029434, MeSH D010013, MONDO:0019019.

Submissions (4):

Labcorp Genetics (formerly Invitae), Labcorp
Classification: Pathogenic for Osteogenesis imperfecta type I; Ehlers-Danlos syndrome, classic type, 1. Last evaluated: 2026-01-21. Review status: criteria provided, single submitter. Criteria: Invitae Variant Classification Sherloc (09022015). Collection method: clinical testing. Allele origin: germline.
Comment: This sequence change replaces glycine, which is neutral and non-polar, with serine, which is neutral and polar, at codon 298 of the COL1A2 protein (p.Gly298Ser). This variant is not present in population databases (gnomAD no frequency). This missense change has been observed in individual(s) with autosomal dominant osteogenesis imperfecta (PMID: 31737030). ClinVar contains an entry for this variant (Variation ID: 691333). Experimental studies and prediction algorithms are not available or were not evaluated, and the functional significance of this variant is currently unknown. This variant disrupts the triple helix domain of COL1A2. Glycine residues within the Gly-Xaa-Yaa repeats of the triple helix domain are required for the structure and stability of fibrillar collagens (PMID: 7695699, 8218237, 19344236). In COL1A2, variants affecting these glycine residues are significantly enriched in individuals with disease (PMID: 9016532, 17078022) compared to the general population (ExAC). This variant disrupts the p.Gly298 amino acid residue in COL1A2. Other variant(s) that disrupt this residue have been observed in individuals with COL1A2-related conditions (PMID: 11317364, 27519266), which suggests that this may be a clinically significant amino acid residue. For these reasons, this variant has been classified as Pathogenic.

Medical Genetics and Prenatal Diagnosis Center, Guangxi Academy of Medical Sciences and the People’s Hospital of Guangxi Zhuang Autonomous Region
Classification: Likely pathogenic for Combined osteogenesis imperfecta and Ehlers-Danlos syndrome 2. Last evaluated: 2023-05-01. Review status: criteria provided, single submitter. Criteria: ACMG Guidelines, 2015. Collection method: clinical testing. Allele origin: maternal. Affected: yes.
Comment: NM_000089.4(COL1A2):c.892G>A is a missense mutation predicted to potentially affect gene function. Literature reports this variant is located within a key functional domain of the gene [PMID:7695699;8218237;19344236] (PM1); This variant was not found in 1000G, the China Genome Database, ExAC, or gnomAD (PM2_Supporting); multiple statistical methods (REVEL) predicted a deleterious effect on the gene or its product, and dbscSNV and MaxEntScan predicted potential splicing disruption (PP3_Strong); the disease associated with this variant matches the phenotype observed in this case (PP4). In summary, based on the ACMG Guidelines, 2015 (PMID: 25741868), the above evidence supports this variant as a likely pathogenic mutation in Combined osteogenesis imperfecta and Ehlers-Danlos syndrome 2. The classification is supported by PM1, PM2_Supporting, PP3_Strong, and PP4.

Blueprint Genetics
Classification: Likely pathogenic for COL1A2-related disorders. Last evaluated: 2019-10-14. Review status: criteria provided, single submitter. Criteria: ACMG Guidelines, 2015. Collection method: clinical testing. Allele origin: germline. Affected: yes. Observed: 1 variant allele.

Genetics Department, Polish Mother's Memorial Hospital Research Institute
Classification: Likely pathogenic for Osteogenesis imperfecta. Last evaluated: 2019-07-11. Review status: criteria provided, single submitter. Criteria: ACMG Guidelines, 2015. Collection method: research. Allele origin: maternal. Affected: yes. Observed: 5 variant alleles.
Comment: Variant was reported in 3 unrelated families. In family 1 variant was reported in mother and her two sons, all with features of Osteogenesis imperfecta. In family 2 and 3 only single patients were tested, both with features of Osteogenesis imperfecta. Parental testing is planned to be done in case of family 2 and 3 to verify mode of inheritance.

Literature cited by the submitters: PubMed 31737030 (cited by Labcorp Genetics (formerly Invitae), Labcorp); PubMed 7695699 (cited by Labcorp Genetics (formerly Invitae), Labcorp and Medical Genetics and Prenatal Diagnosis Center, Guangxi Academy of Medical Sciences and the People’s Hospital of Guangxi Zhuang Autonomous Region); PubMed 8218237 (cited by Labcorp Genetics (formerly Invitae), Labcorp and Medical Genetics and Prenatal Diagnosis Center, Guangxi Academy of Medical Sciences and the People’s Hospital of Guangxi Zhuang Autonomous Region); PubMed 19344236 (cited by Labcorp Genetics (formerly Invitae), Labcorp and Medical Genetics and Prenatal Diagnosis Center, Guangxi Academy of Medical Sciences and the People’s Hospital of Guangxi Zhuang Autonomous Region); PubMed 9016532 (cited by Labcorp Genetics (formerly Invitae), Labcorp); PubMed 17078022 (cited by Labcorp Genetics (formerly Invitae), Labcorp); PubMed 11317364 (cited by Labcorp Genetics (formerly Invitae), Labcorp); PubMed 27519266 (cited by Labcorp Genetics (formerly Invitae), Labcorp).